The following is an entry in ClinVar:

ClinVar aggregate classification (germline): Uncertain significance. Review status: criteria provided, multiple submitters, no conflicts (2 of 4 stars). 2 submissions from 2 submitters: Uncertain significance (2). Last evaluated 2023-03-17.

Conditions:
Birt-Hogg-Dube syndrome. Also called: Birt Hogg Dubé syndrome. Identifiers: Orphanet 122, MedGen C0346010, MONDO:0800444.
Hereditary cancer-predisposing syndrome. Also called: Hereditary neoplastic syndrome; Hereditary Cancer Syndrome; Neoplastic Syndromes, Hereditary; Tumor predisposition. Identifiers: Orphanet 140162, MedGen C0027672, MeSH D009386, MONDO:0015356.

gnomAD v4.1: 1 of 1,614,200 alleles (0.000062%); highest among the groups gnomAD compares: Non-Finnish European, 0.000085%; no homozygotes.

Submissions (2):

Labcorp Genetics (formerly Invitae), Labcorp
Classification: Uncertain significance for Birt-Hogg-Dube syndrome. Last evaluated: 2023-03-17. Review status: criteria provided, single submitter. Criteria: Invitae Variant Classification Sherloc (09022015). Collection method: clinical testing. Allele origin: germline.
Comment: In summary, the available evidence is currently insufficient to determine the role of this variant in disease. Therefore, it has been classified as a Variant of Uncertain Significance. Advanced modeling of protein sequence and biophysical properties (such as structural, functional, and spatial information, amino acid conservation, physicochemical variation, residue mobility, and thermodynamic stability) performed at Invitae indicates that this missense variant is not expected to disrupt FLCN protein function. ClinVar contains an entry for this variant (Variation ID: 1369255). This variant has not been reported in the literature in individuals affected with FLCN-related conditions. This variant is not present in population databases (gnomAD no frequency). This sequence change replaces leucine, which is neutral and non-polar, with valine, which is neutral and non-polar, at codon 490 of the FLCN protein (p.Leu490Val).

Ambry Genetics
Classification: Uncertain significance for Hereditary cancer-predisposing syndrome. Last evaluated: 2022-10-19. Review status: criteria provided, single submitter. Criteria: Ambry Variant Classification Scheme 2023. Collection method: clinical testing. Allele origin: germline.
Comment: The p.L490V variant (also known as c.1468C>G), located in coding exon 10 of the FLCN gene, results from a C to G substitution at nucleotide position 1468. The leucine at codon 490 is replaced by valine, an amino acid with highly similar properties. This amino acid position is conserved. In addition, this alteration is predicted to be deleterious by in silico analysis. Since supporting evidence is limited at this time, the clinical significance of this alteration remains unclear.

NM_144997.7(FLCN):c.1468C>G (p.Leu490Val)

Gene: FLCN (folliculin; minus strand). Cytogenetic location: 17p11.2.
Variant type: single nucleotide variant.
Coding change: c.1468C>G on transcript NM_144997.7 (MANE Select); coding-DNA position 1468, C replaced by G.
Protein change: p.Leu490Val; replaces leucine 490 with valine.
Molecular consequence: missense variant.
Genome position (GRCh38, 1-based): chr17:17,215,055, G>C on the plus strand (C>G on the coding strand, the complement: FLCN is on the minus strand). VCF-style: chr17-17215055-G-C. GRCh37 (hg19) VCF-style: chr17-17118369-G-C.
Other names: c.1522C>G, p.Leu508Val (NM_001353229.2); c.1468C>G, p.Leu490Val (NM_001353230.2, NM_001353231.2); short protein forms L490V, L508V.
Identifiers: ClinVar variation 1369255 (VCV001369255.10), dbSNP rs2144832929, ClinGen allele CA398530944.
Genomic context (GRCh38, chr17:17,215,055, plus strand): 5'-CCTCCTTGAGGCAGACGAGGCACTGGTCCACCACATCCACAGACAGGTTCTGGTTGGTCA[G>C]AGCCGCTTCAATCTTATTCAGGATGGTGGGGCCCACTGGGGAGAAGGGCAGGGGCAGAGC-3'
Protein context (NP_659434.2, residues 480-500): PTILNKIEAA[Leu490Val]TNQNLSVDVV